The following is an entry in ClinVar:

NM_020366.4(RPGRIP1):c.1084G>A (p.Glu362Lys)

Gene: RPGRIP1 (RPGR interacting protein 1; plus strand). Cytogenetic location: 14q11.2.
Variant type: single nucleotide variant.
Coding change: c.1084G>A on transcript NM_020366.4 (MANE Select); coding-DNA position 1084, G replaced by A.
Protein change: p.Glu362Lys; replaces glutamic acid 362 with lysine.
Molecular consequence: missense variant.
Genome position (GRCh38, 1-based): chr14:21,312,439, G>A. VCF-style: chr14-21312439-G-A. GRCh37 (hg19) VCF-style: chr14-21780598-G-A.
Other names: short protein forms E362K.
Identifiers: ClinVar variation 1971022 (VCV001971022.5), dbSNP rs2502735231, ClinGen allele CA388862706.

ClinVar aggregate classification (germline): Uncertain significance (1 of 4 stars; one submission).

Conditions:
Leber congenital amaurosis 6 (LCA6). Identifiers: Orphanet 65, MedGen C1854260, MONDO:0013446, OMIM 613826.
Cone-rod dystrophy 13 (CORD13). Identifiers: Orphanet 1872, MedGen C2750720, MONDO:0011987, OMIM 608194.

Allele frequency attached by ClinVar (database versions not stated): gnomAD exomes below 0.00001.
gnomAD v4.1: 1 of 1,605,748 alleles (0.000062%); highest among the groups gnomAD compares: Non-Finnish European, 0.000085%; no homozygotes.

Submission:

Labcorp Genetics (formerly Invitae), Labcorp
Classification: Uncertain significance for Leber congenital amaurosis 6; Cone-rod dystrophy 13. Last evaluated: 2021-11-30. Review status: criteria provided, single submitter. Criteria: Invitae Variant Classification Sherloc (09022015). Collection method: clinical testing. Allele origin: germline.
Comment: In summary, the available evidence is currently insufficient to determine the role of this variant in disease. Therefore, it has been classified as a Variant of Uncertain Significance. Algorithms developed to predict the effect of missense changes on protein structure and function (SIFT, PolyPhen-2, Align-GVGD) all suggest that this variant is likely to be tolerated. This variant has not been reported in the literature in individuals affected with RPGRIP1-related conditions. This variant is not present in population databases (gnomAD no frequency). This sequence change replaces glutamic acid, which is acidic and polar, with lysine, which is basic and polar, at codon 362 of the RPGRIP1 protein (p.Glu362Lys).